The following is an entry in ClinVar:

NM_001166108.2(PALLD):c.1055C>T (p.Ser352Leu)

Gene: PALLD (palladin, cytoskeletal associated protein; plus strand). Cytogenetic location: 4q32.3.
Variant type: single nucleotide variant.
Coding change: c.1055C>T on transcript NM_001166108.2 (MANE Select); coding-DNA position 1055, C replaced by T.
Protein change: p.Ser352Leu; replaces serine 352 with leucine.
Molecular consequence: missense variant. On other transcripts: 5 prime UTR variant (1).
Genome position (GRCh38, 1-based): chr4:168,668,336, C>T. VCF-style: chr4-168668336-C-T. GRCh37 (hg19) VCF-style: chr4-169589487-C-T.
Other names: c.-92C>T (NM_001166109.2); c.1055C>T, p.Ser352Leu (NM_016081.4); short protein forms S352L.
Identifiers: ClinVar variation 3226709 (VCV003226709.1), dbSNP rs2531425818, ClinGen allele CA358793895.
Genomic context (GRCh38, chr4:168,668,336, plus strand): 5'-CAGAGGCCTTTGAGGACGACACAGGTCGCTACACCTGTTTGGCTACGAATCCCAGCGGCT[C>T]AGACACAACATCTGCTGAGGTGTTCATTGAAGGTAAGGAGGGGTGCCTGGTAATGGGGGA-3'
Protein context (NP_001159580.1, residues 342-362): YTCLATNPSG[Ser352Leu]DTTSAEVFIE

ClinVar aggregate classification (germline): Uncertain significance (1 of 4 stars; one submission).

Submission:

Ambry Genetics
Classification: Uncertain significance. Last evaluated: 2024-02-04. Review status: criteria provided, single submitter. Criteria: Ambry Variant Classification Scheme 2023. Collection method: clinical testing. Allele origin: germline.
Comment: The p.S352L variant (also known as c.1055C>T), located in coding exon 2 of the PALLD gene, results from a C to T substitution at nucleotide position 1055. The serine at codon 352 is replaced by leucine, an amino acid with dissimilar properties. This amino acid position is conserved. In addition, the in silico prediction for this alteration is inconclusive. Based on the available evidence, the clinical significance of this alteration remains unclear.